The following is an entry in ClinVar:

ClinVar aggregate classification (germline): Uncertain significance (1 of 4 stars; one submission).

Conditions:
Inborn genetic diseases. Identifiers: MedGen C0950123, MeSH D030342.

Allele frequency attached by ClinVar (database versions not stated): ExAC 0.00001; ESP Exome Variant Server 0.00008.

Submission:

Ambry Genetics
Classification: Uncertain significance for Inborn genetic diseases. Last evaluated: 2023-09-13. Review status: criteria provided, single submitter. Criteria: Ambry Variant Classification Scheme 2023. Collection method: clinical testing. Allele origin: germline.
Comment: The p.D1296V variant (also known as c.3887A>T), located in coding exon 28 of the LRRK2 gene, results from an A to T substitution at nucleotide position 3887. The aspartic acid at codon 1296 is replaced by valine, an amino acid with highly dissimilar properties. This amino acid position is conserved. In addition, the in silico prediction for this alteration is inconclusive. Since supporting evidence is limited at this time, the clinical significance of this alteration remains unclear.

NM_198578.4(LRRK2):c.3887A>T (p.Asp1296Val)

Gene: LRRK2 (leucine rich repeat kinase 2; plus strand). Cytogenetic location: 12q12.
Variant type: single nucleotide variant.
Coding change: c.3887A>T on transcript NM_198578.4 (MANE Select); coding-DNA position 3887, A replaced by T.
Protein change: p.Asp1296Val; replaces aspartic acid 1296 with valine.
Molecular consequence: missense variant.
Genome position (GRCh38, 1-based): chr12:40,305,894, A>T. VCF-style: chr12-40305894-A-T. GRCh37 (hg19) VCF-style: chr12-40699696-A-T.
Other names: short protein forms D1296V.
Identifiers: ClinVar variation 1735847 (VCV001735847.3), dbSNP rs374991346, ClinGen allele CA6514033.